The following is an entry in ClinVar:

ClinVar aggregate classification (germline): Uncertain significance (1 of 4 stars; one submission).

Conditions:
Arginine:glycine amidinotransferase deficiency (CCDS3). Also called: Creatine deficiency syndrome due to AGAT deficiency; GATM deficiency; Cerebral creatine deficiency syndrome 3; AGAT deficiency; L-Arginine:Glycine Amidinotransferase (AGAT) Deficiency; L-Arginine:Glycine Amidinotransferase Deficiency. Identifiers: Orphanet 35704, MedGen C2675179, MONDO:0012996, OMIM 612718.

Allele frequency attached by ClinVar (database versions not stated): TOPMed below 0.00001.

Submission:

Labcorp Genetics (formerly Invitae), Labcorp
Classification: Uncertain significance for Arginine:glycine amidinotransferase deficiency. Last evaluated: 2022-07-14. Review status: criteria provided, single submitter. Criteria: Invitae Variant Classification Sherloc (09022015). Collection method: clinical testing. Allele origin: germline.
Comment: Algorithms developed to predict the effect of missense changes on protein structure and function are either unavailable or do not agree on the potential impact of this missense change (SIFT: "Deleterious"; PolyPhen-2: "Possibly Damaging"; Align-GVGD: "Class C0"). In summary, the available evidence is currently insufficient to determine the role of this variant in disease. Therefore, it has been classified as a Variant of Uncertain Significance. This variant has not been reported in the literature in individuals affected with GATM-related conditions. This variant is not present in population databases (gnomAD no frequency). This sequence change replaces valine, which is neutral and non-polar, with isoleucine, which is neutral and non-polar, at codon 370 of the GATM protein (p.Val370Ile).

NM_001482.3(GATM):c.1108G>A (p.Val370Ile)

Gene: GATM (glycine amidinotransferase; minus strand). Cytogenetic location: 15q21.1.
Variant type: single nucleotide variant.
Coding change: c.1108G>A on transcript NM_001482.3 (MANE Select); coding-DNA position 1108, G replaced by A.
Protein change: p.Val370Ile; replaces valine 370 with isoleucine.
Molecular consequence: missense variant.
Genome position (GRCh38, 1-based): chr15:45,363,951, C>T on the plus strand (G>A on the coding strand, the complement: GATM is on the minus strand). VCF-style: chr15-45363951-C-T. GRCh37 (hg19) VCF-style: chr15-45656149-C-T.
Other names: c.721G>A, p.Val241Ile (NM_001321015.2); short protein forms V370I, V241I.
Identifiers: ClinVar variation 2016903 (VCV002016903.4), dbSNP rs1889406411, ClinGen allele CA392255711.